The following is an entry in ClinVar:

NM_024422.6(DSC2):c.355-272del

Gene: DSC2 (desmocollin 2; minus strand). Cytogenetic location: 18q12.1.
Variant type: Deletion.
Coding change: c.355-272del on transcript NM_024422.6 (MANE Select); 272 bases into the intron before coding-DNA position 355, one base deleted (T; older notation c.355-272delT).
Molecular consequence: intron variant.
Genome position (GRCh38, 1-based): chr18:31,091,419, A deleted on the plus strand (T on the coding strand, the reverse complement: DSC2 is on the minus strand); the first of 9 consecutive A bases (chr18:31,091,419-31,091,427); deleting any one gives the same sequence. VCF-style (leftmost placement, unchanged base first): chr18-31091418-GA-G. GRCh37 (hg19) VCF-style: chr18-28671381-GA-G.
Other names: c.355-272del (NM_004949.5).
Identifiers: ClinVar variation 668828 (VCV000668828.1), dbSNP rs3216154, ClinGen allele CA297643745.

ClinVar aggregate classification (germline): Benign (1 of 4 stars; one submission).

Submission:

GeneDx
Classification: Benign. Last evaluated: 2018-06-18. Review status: criteria provided, single submitter. Criteria: GeneDx Variant Classification (06012015). Collection method: clinical testing. Allele origin: germline. Affected: yes.
Comment: This variant is considered likely benign or benign based on one or more of the following criteria: it is a conservative change, it occurs at a poorly conserved position in the protein, it is predicted to be benign by multiple in silico algorithms, and/or has population frequency not consistent with disease.